The following is an entry in ClinVar:

ClinVar aggregate classification (germline): Uncertain significance. Review status: criteria provided, multiple submitters, no conflicts (2 of 4 stars). 2 submissions from 2 submitters: Uncertain significance (2). Last evaluated 2026-06-19.

Conditions:
TNNI3K-related disorder. Also called: TNNI3K-related condition.

gnomAD v4.1: 6 of 1,612,318 alleles (0.00037%); highest among the groups gnomAD compares: African/African-American, 0.008%; no homozygotes.

Submissions (2):

PreventionGenetics, part of Exact Sciences
Classification: Uncertain significance for TNNI3K-related condition. Last evaluated: 2026-06-19. Review status: criteria provided, single submitter. Criteria: ACMG Guidelines, 2015. Collection method: clinical testing. Allele origin: germline.
Comment: The TNNI3K c.1620A>T variant is predicted to result in the amino acid substitution p.Gln540His. To our knowledge, this variant has not been reported in the literature. This variant is reported in 0.0080% of alleles in individuals of African descent in gnomAD. At this time, the clinical significance of this variant is uncertain due to the absence of conclusive functional and genetic evidence.

Labcorp Genetics (formerly Invitae), Labcorp
Classification: Uncertain significance. Last evaluated: 2025-09-08. Review status: criteria provided, single submitter. Criteria: Invitae Variant Classification Sherloc (09022015). Collection method: clinical testing. Allele origin: germline.
Comment: This sequence change replaces glutamine, which is neutral and polar, with histidine, which is basic and polar, at codon 540 of the TNNI3K protein (p.Gln540His). This variant is present in population databases (rs55654209, gnomAD 0.008%). This variant has not been reported in the literature in individuals affected with TNNI3K-related conditions. ClinVar contains an entry for this variant (Variation ID: 2983949). Invitae Evidence Modeling of protein sequence and biophysical properties (such as structural, functional, and spatial information, amino acid conservation, physicochemical variation, residue mobility, and thermodynamic stability) indicates that this missense variant is not expected to disrupt TNNI3K protein function with a negative predictive value of 80%. In summary, the available evidence is currently insufficient to determine the role of this variant in disease. Therefore, it has been classified as a Variant of Uncertain Significance.

NM_015978.3(TNNI3K):c.1620A>T (p.Gln540His)

Genes: FPGT-TNNI3K (FPGT-TNNI3K readthrough; plus strand), TNNI3K (TNNI3 interacting kinase; plus strand). Cytogenetic location: 1p31.1.
Variant type: single nucleotide variant.
Coding change: c.1620A>T on transcript NM_015978.3 (MANE Select); coding-DNA position 1620, A replaced by T.
Protein change: p.Gln540His; replaces glutamine 540 with histidine.
Molecular consequence: missense variant.
Genome position (GRCh38, 1-based): chr1:74,369,538, A>T. VCF-style: chr1-74369538-A-T. GRCh37 (hg19) VCF-style: chr1-74835222-A-T.
Other names: c.1923A>T, p.Gln641His (NM_001112808.3, NM_001199327.2); c.1620A>T (NM_015978.2); short protein forms Q540H, Q641H.
Identifiers: ClinVar variation 2983949 (VCV002983949.4), dbSNP rs55654209, ClinGen allele CA909336.